The following is an entry in ClinVar:

ClinVar aggregate classification (germline): Uncertain significance (1 of 4 stars; one submission).

gnomAD v4.1: 3 of 1,614,136 alleles (0.00019%); highest among the groups gnomAD compares: Admixed American, 0.005%; no homozygotes.

Submission:

Ambry Genetics
Classification: Uncertain significance. Last evaluated: 2025-06-16. Review status: criteria provided, single submitter. Criteria: Ambry Variant Classification Scheme 2023. Collection method: clinical testing. Allele origin: germline.
Comment: The p.D1743E variant (also known as c.5229C>G), located in coding exon 45 of the KIF1B gene, results from a C to G substitution at nucleotide position 5229. The aspartic acid at codon 1743 is replaced by glutamic acid, an amino acid with highly similar properties. This amino acid position is conserved. In addition, this alteration is predicted to be tolerated by in silico analysis. Based on the available evidence, the clinical significance of this variant remains unclear.

NM_001365951.3(KIF1B):c.5367C>G (p.Asp1789Glu)

Gene: KIF1B (kinesin family member 1B; plus strand). Cytogenetic location: 1p36.22.
Variant type: single nucleotide variant.
Coding change: c.5367C>G on transcript NM_001365951.3 (MANE Select); coding-DNA position 5367, C replaced by G.
Protein change: p.Asp1789Glu; replaces aspartic acid 1789 with glutamic acid.
Molecular consequence: missense variant.
Genome position (GRCh38, 1-based): chr1:10,375,332, C>G. VCF-style: chr1-10375332-C-G. GRCh37 (hg19) VCF-style: chr1-10435390-C-G.
Other names: c.5229C>G, p.Asp1743Glu (NM_015074.3); c.5367C>G, p.Asp1789Glu (NM_001365952.1); short protein forms D1743E, D1789E.
Identifiers: ClinVar variation 4092317 (VCV004092317.1).